The following is an entry in ClinVar:

ClinVar aggregate classification (germline): Uncertain significance (1 of 4 stars; one submission).

Conditions:
Hereditary cancer-predisposing syndrome. Also called: Neoplastic Syndromes, Hereditary; Tumor predisposition; Hereditary neoplastic syndrome; Hereditary Cancer Syndrome. Identifiers: Orphanet 140162, MedGen C0027672, MeSH D009386, MONDO:0015356.

Submission:

Ambry Genetics
Classification: Uncertain significance for Hereditary cancer-predisposing syndrome. Last evaluated: 2026-08-12. Review status: criteria provided, single submitter. Criteria: Ambry Variant Classification Scheme 2023. Collection method: clinical testing. Allele origin: germline.
Comment: The p.Q491K variant (also known as c.1471C>A), located in coding exon 7 of the RET gene, results from a C to A substitution at nucleotide position 1471. The glutamine at codon 491 is replaced by lysine, an amino acid with similar properties. This amino acid position is conserved. In addition, this alteration is predicted to be tolerated by in silico analysis. Based on the available evidence, the clinical significance of this variant remains unclear.

NM_020975.6(RET):c.1471C>A (p.Gln491Lys)

Gene: RET (ret proto-oncogene; plus strand). Cytogenetic location: 10q11.21.
Variant type: single nucleotide variant.
Coding change: c.1471C>A on transcript NM_020975.6 (MANE Select); coding-DNA position 1471, C replaced by A.
Protein change: p.Gln491Lys; replaces glutamine 491 with lysine.
Molecular consequence: missense variant. On other transcripts: intron variant (15).
Genome position (GRCh38, 1-based): chr10:43,111,414, C>A. VCF-style: chr10-43111414-C-A. GRCh37 (hg19) VCF-style: chr10-43606862-C-A.
Other names: c.745C>A, p.Gln249Lys (NM_001406775.1, NM_001406776.1, NM_001406777.1 and 1 more transcripts); c.481C>A, p.Gln161Lys (NM_001406784.1); c.1471C>A, p.Gln491Lys (NM_020630.7, NM_001406765.1, NM_001406743.1 and 4 more transcripts); c.74-685C>A (NM_001406793.1, NM_001406794.1, NM_001406792.1); c.1183C>A, p.Gln395Lys (NM_001406766.1, NM_001406767.1, NM_001406770.1); c.1342C>A, p.Gln448Lys (NM_001406768.1, NM_001406761.1, NM_001406762.1 and 1 more transcripts); c.1075C>A, p.Gln359Lys (NM_001406769.1, NM_001406772.1); c.1033C>A, p.Gln345Lys (NM_001406771.1, NM_001406773.1); and 5 more; short protein forms Q249K, Q345K, Q359K, Q395K, Q161K, Q237K, Q316K, Q448K.
Identifiers: ClinVar variation 5028204 (VCV005028204.1).